The following is an entry in ClinVar:

NM_001165963.4(SCN1A):c.2589+221_2589+224del

Gene: SCN1A (sodium voltage-gated channel alpha subunit 1; minus strand). Cytogenetic location: 2q24.3.
Variant type: Deletion.
Coding change: c.2589+221_2589+224del on transcript NM_001165963.4 (MANE Select); bases 221 to 224 of the intron after coding-DNA position 2589, 4 bases deleted (CTCA; older notation c.2589+221_2589+224delCTCA).
Molecular consequence: intron variant.
Genome position (GRCh38, 1-based): chr2:166,039,199-166,039,202, TGAG deleted on the plus strand (CTCA on the coding strand, the reverse complement: SCN1A is on the minus strand); deleting any 4 consecutive bases within chr2:166,039,199-166,039,203 gives the same sequence; the c. name uses the placement nearest the transcript's 3' end. VCF-style (leftmost placement, unchanged base first): chr2-166039198-CTGAG-C. GRCh37 (hg19) VCF-style: chr2-166895708-CTGAG-C.
Other names: c.2556+221_2556+224del (NM_001353949.2, NM_001353950.2, NM_001353951.2 and 2 more transcripts); c.2505+221_2505+224del (NM_001353958.2, NM_001353957.2, NM_001165964.3); c.2589+221_2589+224del (NM_001202435.3, NM_001353948.2); c.2553+221_2553+224del (NM_001353955.2, NM_001353954.2); c.2502+221_2502+224del (NM_001353960.2); c.147+221_147+224del (NM_001353961.2).
Identifiers: ClinVar variation 672711 (VCV000672711.1), dbSNP rs6147014, ClinGen allele CA59790035.

ClinVar aggregate classification (germline): Benign (1 of 4 stars; one submission).

Submission:

GeneDx
Classification: Benign. Last evaluated: 2018-06-18. Review status: criteria provided, single submitter. Criteria: GeneDx Variant Classification (06012015). Collection method: clinical testing. Allele origin: germline. Affected: yes.
Comment: This variant is considered likely benign or benign based on one or more of the following criteria: it is a conservative change, it occurs at a poorly conserved position in the protein, it is predicted to be benign by multiple in silico algorithms, and/or has population frequency not consistent with disease.